The following is an entry in ClinVar:

ClinVar aggregate classification (germline): Uncertain significance (1 of 4 stars; one submission).

Conditions:
Dilated cardiomyopathy 1G (CMD1G). Identifiers: Orphanet 154, MedGen C1858763, MONDO:0011400, OMIM 604145.
Autosomal recessive limb-girdle muscular dystrophy type 2J (LGMDR10). Also called: Limb-girdle muscular dystrophy, type 2J; MUSCULAR DYSTROPHY, LIMB-GIRDLE, AUTOSOMAL RECESSIVE 10. Identifiers: Orphanet 140922, MedGen C1837342, MONDO:0012127, OMIM 608807.

Submission:

Labcorp Genetics (formerly Invitae), Labcorp
Classification: Uncertain significance for Dilated cardiomyopathy 1G; Autosomal recessive limb-girdle muscular dystrophy type 2J. Last evaluated: 2025-10-16. Review status: criteria provided, single submitter. Criteria: Invitae Variant Classification Sherloc (09022015). Collection method: clinical testing. Allele origin: germline.
Comment: This sequence change falls in intron 125 of the TTN gene. It does not directly change the encoded amino acid sequence of the TTN protein. It affects a nucleotide within the consensus splice site. This variant is not present in population databases (gnomAD no frequency). This variant has not been reported in the literature in individuals affected with TTN-related conditions. ClinVar contains an entry for this variant (Variation ID: 2952031). Variants that disrupt the consensus splice site are a relatively common cause of aberrant splicing (PMID: 17576681, 9536098). Algorithms developed to predict the effect of sequence changes on RNA splicing suggest that this variant may disrupt the consensus splice site. This variant is located in the I band of TTN (PMID: 25589632). Variants in this region may be clinically relevant, but have not been definitively shown to cause cardiomyopathy or neuromuscular disease (PMID: 27493940, 32778822). In summary, the available evidence is currently insufficient to determine the role of this variant in disease. Therefore, it has been classified as a Variant of Uncertain Significance.

Literature cited by the submitters: PubMed 17576681; PubMed 9536098; PubMed 25589632; PubMed 27493940; PubMed 32778822.

NM_001267550.2(TTN):c.32095+3A>G

Gene: TTN (titin; minus strand). Cytogenetic location: 2q31.2.
Variant type: single nucleotide variant.
Coding change: c.32095+3A>G on transcript NM_001267550.2 (MANE Select); 3 bases into the intron after coding-DNA position 32095, A replaced by G.
Molecular consequence: intron variant.
Genome position (GRCh38, 1-based): chr2:178,689,050, T>C on the plus strand (A>G on the coding strand, the complement: TTN is on the minus strand). VCF-style: chr2-178689050-T-C. GRCh37 (hg19) VCF-style: chr2-179553777-T-C.
Other names: c.13283-46733A>G (NM_003319.4); c.13859-46733A>G (NM_133437.4); c.13658-46733A>G (NM_133432.3); c.28363+3A>G (NM_133378.4); c.31144+3A>G (NM_001256850.1).
Identifiers: ClinVar variation 2952031 (VCV002952031.3), dbSNP rs1378567390, ClinGen allele CA2740096227.